The following is an entry in ClinVar:

NM_022168.4(IFIH1):c.1043A>T (p.Asp348Val)

Gene: IFIH1 (interferon induced with helicase C domain 1; minus strand). Cytogenetic location: 2q24.2.
Variant type: single nucleotide variant.
Coding change: c.1043A>T on transcript NM_022168.4 (MANE Select); coding-DNA position 1043, A replaced by T.
Protein change: p.Asp348Val; replaces aspartic acid 348 with valine.
Molecular consequence: missense variant.
Genome position (GRCh38, 1-based): chr2:162,288,187, T>A on the plus strand (A>T on the coding strand, the complement: IFIH1 is on the minus strand). VCF-style: chr2-162288187-T-A. GRCh37 (hg19) VCF-style: chr2-163144697-T-A.
Other names: short protein forms D348V.
Identifiers: ClinVar variation 4794456 (VCV004794456.1).

ClinVar aggregate classification (germline): Uncertain significance (1 of 4 stars; one submission).

Conditions:
Aicardi-Goutieres syndrome 7 (AGS7). Identifiers: Orphanet 51, MedGen C3888244, MONDO:0014367, OMIM 615846.
Singleton-Merten syndrome 1 (SGMRT1). Also called: Widened medullary cavities of bone, aortic calcification, abnormal dentition, and muscular weakness; Syndrome of widened medullary cavities of the metacarpals and phalanges, aortic calcification and abnormal dentition. Identifiers: Orphanet 85191, MedGen C4225427, MONDO:0024535, OMIM 182250.

Submission:

Labcorp Genetics (formerly Invitae), Labcorp
Classification: Uncertain significance for Aicardi-Goutieres syndrome 7; Singleton-Merten syndrome 1. Last evaluated: 2025-10-26. Review status: criteria provided, single submitter. Criteria: Invitae Variant Classification Sherloc (09022015). Collection method: clinical testing. Allele origin: germline.
Comment: This sequence change replaces aspartic acid, which is acidic and polar, with valine, which is neutral and non-polar, at codon 348 of the IFIH1 protein (p.Asp348Val). This variant is not present in population databases (gnomAD no frequency). This variant has not been reported in the literature in individuals affected with IFIH1-related conditions. Invitae Evidence Modeling of protein sequence and biophysical properties (such as structural, functional, and spatial information, amino acid conservation, physicochemical variation, residue mobility, and thermodynamic stability) has been performed for this missense variant. However, the output from this modeling did not meet the statistical confidence thresholds required to predict the impact of this variant on IFIH1 protein function. In summary, the available evidence is currently insufficient to determine the role of this variant in disease. Therefore, it has been classified as a Variant of Uncertain Significance.